The following is an entry in ClinVar:

NM_001128840.3(CACNA1D):c.5429A>G (p.Tyr1810Cys)

Gene: CACNA1D (calcium voltage-gated channel subunit alpha1 D; plus strand). Cytogenetic location: 3p21.1.
Variant type: single nucleotide variant.
Coding change: c.5429A>G on transcript NM_001128840.3 (MANE Select); coding-DNA position 5429, A replaced by G.
Protein change: p.Tyr1810Cys; replaces tyrosine 1810 with cysteine.
Molecular consequence: missense variant. On other transcripts: intron variant (1).
Genome position (GRCh38, 1-based): chr3:53,802,167, A>G. VCF-style: chr3-53802167-A-G. GRCh37 (hg19) VCF-style: chr3-53836194-A-G.
Other names: c.5489A>G, p.Tyr1830Cys (NM_000720.4); c.5363+742A>G (NM_001128839.3); short protein forms Y1810C, Y1830C.
Identifiers: ClinVar variation 4528152 (VCV004528152.1).

ClinVar aggregate classification (germline): Uncertain significance (1 of 4 stars; one submission).

gnomAD v4.1: 2 of 1,608,000 alleles (0.00012%); highest among the groups gnomAD compares: African/African-American, 0.0013%; no homozygotes.

Submission:

GeneDx
Classification: Uncertain significance. Last evaluated: 2025-05-07. Review status: criteria provided, single submitter. Criteria: GeneDx Variant Classification Process June 2021. Collection method: clinical testing. Allele origin: germline. Affected: yes.
Comment: Not observed at significant frequency in large population cohorts (gnomAD); In silico analysis suggests that this missense variant does not alter protein structure/function; Has not been previously published as pathogenic or benign to our knowledge